The following is an entry in ClinVar:

NM_000350.3(ABCA4):c.826A>G (p.Ile276Val)

Gene: ABCA4 (ATP binding cassette subfamily A member 4; minus strand). Cytogenetic location: 1p22.1.
Variant type: single nucleotide variant.
Coding change: c.826A>G on transcript NM_000350.3 (MANE Select); coding-DNA position 826, A replaced by G.
Protein change: p.Ile276Val; replaces isoleucine 276 with valine.
Molecular consequence: missense variant.
Genome position (GRCh38, 1-based): chr1:94,083,384, T>C on the plus strand (A>G on the coding strand, the complement: ABCA4 is on the minus strand). VCF-style: chr1-94083384-T-C. GRCh37 (hg19) VCF-style: chr1-94548940-T-C.
Other names: c.826A>G, p.Ile276Val (NM_001425324.1); short protein forms I276V.
Identifiers: ClinVar variation 1025115 (VCV001025115.7), dbSNP rs747686223, ClinGen allele CA958714.
Genomic context (GRCh38, chr1:94,083,384, plus strand): 5'-TTATAATTACTACCATCAGGCTACTCACCTCTTGAATTCTTGGTGACATATCAGATAATA[T>C]TCCTCCCCAAGATCTCAGATTGATACCTTGAGAACGGCTGTCTAGGAGTGTGGGAAGCTG-3'
Protein context (NP_000341.2, residues 266-286): QGINLRSWGG[Ile276Val]LSDMSPRIQE

ClinVar aggregate classification (germline): Uncertain significance. Review status: criteria provided, multiple submitters, no conflicts (2 of 4 stars). 2 submissions from 2 submitters: Uncertain significance (2). Last evaluated 2022-10-25.

Allele frequency attached by ClinVar (database versions not stated): TOPMed 0.00006; gnomAD 0.00008 and 0.00009; ExAC 0.00001; gnomAD exomes 0.00001 and 0.00002.
gnomAD v4.1: 25 of 1,613,566 alleles (0.0015%); highest among the groups gnomAD compares: African/African-American, 0.029%; no homozygotes.

Submissions (2):

Labcorp Genetics (formerly Invitae), Labcorp
Classification: Uncertain significance. Last evaluated: 2022-10-25. Review status: criteria provided, single submitter. Criteria: Invitae Variant Classification Sherloc (09022015). Collection method: clinical testing. Allele origin: germline.
Comment: This sequence change replaces isoleucine, which is neutral and non-polar, with valine, which is neutral and non-polar, at codon 276 of the ABCA4 protein (p.Ile276Val). This variant is present in population databases (rs747686223, gnomAD 0.02%). This variant has not been reported in the literature in individuals affected with ABCA4-related conditions. ClinVar contains an entry for this variant (Variation ID: 1025115). Advanced modeling of protein sequence and biophysical properties (such as structural, functional, and spatial information, amino acid conservation, physicochemical variation, residue mobility, and thermodynamic stability) performed at Invitae indicates that this missense variant is not expected to disrupt ABCA4 protein function. In summary, the available evidence is currently insufficient to determine the role of this variant in disease. Therefore, it has been classified as a Variant of Uncertain Significance.

Blueprint Genetics
Classification: Uncertain significance. Last evaluated: 2022-04-06. Review status: criteria provided, single submitter. Criteria: ACMG Guidelines, 2015. Collection method: clinical testing. Allele origin: germline.